The following is an entry in ClinVar:

ClinVar aggregate classification (germline): Likely benign (0 of 4 stars; one submission).

Conditions:
LRCH3-related disorder. Also called: LRCH3-related condition.

Allele frequency attached by ClinVar (database versions not stated): ExAC 0.00015; 1000 Genomes Project 30x 0.00031; gnomAD 0.00033; ESP Exome Variant Server 0.00035.
gnomAD v4.1: 93 of 1,608,214 alleles (0.0058%); highest among the groups gnomAD compares: African/African-American, 0.11%; no homozygotes.

Submission:

PreventionGenetics, part of Exact Sciences
Classification: Likely benign for LRCH3-related condition. Last evaluated: 2019-05-21. Review status: no assertion criteria provided. Collection method: clinical testing. Allele origin: germline.
Comment: This variant is classified as likely benign based on ACMG/AMP sequence variant interpretation guidelines (Richards et al. 2015 PMID: 25741868, with internal and published modifications).

NM_001365715.1(LRCH3):c.6G>A (p.Ala2=)

Gene: LRCH3 (leucine rich repeats and calponin homology domain containing 3; plus strand). Cytogenetic location: 3q29.
Variant type: single nucleotide variant.
Coding change: c.6G>A on transcript NM_001365715.1 (MANE Select); coding-DNA position 6, G replaced by A.
Protein change: p.Ala2=; no amino-acid change (alanine 2 retained).
Molecular consequence: synonymous variant. On other transcripts: non-coding transcript variant (1).
Genome position (GRCh38, 1-based): chr3:197,791,284, G>A. VCF-style: chr3-197791284-G-A. GRCh37 (hg19) VCF-style: chr3-197518155-G-A.
Other names: c.6G>A, p.Ala2= (NM_001363887.1, NM_001365716.1, NM_001365717.1 and 3 more transcripts).
Identifiers: ClinVar variation 3038561 (VCV003038561.2), dbSNP rs146048989, ClinGen allele CA2787796.